The following is an entry in ClinVar:

NM_004655.4(AXIN2):c.103C>A (p.Pro35Thr)

Gene: AXIN2 (axin 2; minus strand). Cytogenetic location: 17q24.1.
Variant type: single nucleotide variant.
Coding change: c.103C>A on transcript NM_004655.4 (MANE Select); coding-DNA position 103, C replaced by A.
Protein change: p.Pro35Thr; replaces proline 35 with threonine.
Molecular consequence: missense variant.
Genome position (GRCh38, 1-based): chr17:65,558,518, G>T on the plus strand (C>A on the coding strand, the complement: AXIN2 is on the minus strand). VCF-style: chr17-65558518-G-T. GRCh37 (hg19) VCF-style: chr17-63554636-G-T.
Other names: c.103C>A, p.Pro35Thr (NM_001363813.1); short protein forms P35T.
Identifiers: ClinVar variation 3981051 (VCV003981051.1).

ClinVar aggregate classification (germline): Uncertain significance (1 of 4 stars; one submission).

Conditions:
Hereditary cancer-predisposing syndrome. Also called: Tumor predisposition; Hereditary neoplastic syndrome; Neoplastic Syndromes, Hereditary; Hereditary Cancer Syndrome. Identifiers: Orphanet 140162, MedGen C0027672, MeSH D009386, MONDO:0015356.

Submission:

Ambry Genetics
Classification: Uncertain significance for Hereditary cancer-predisposing syndrome. Last evaluated: 2025-04-21. Review status: criteria provided, single submitter. Criteria: Ambry Variant Classification Scheme 2023. Collection method: clinical testing. Allele origin: germline.
Comment: The p.P35T variant (also known as c.103C>A), located in coding exon 1 of the AXIN2 gene, results from a C to A substitution at nucleotide position 103. The proline at codon 35 is replaced by threonine, an amino acid with highly similar properties. This amino acid position is conserved. In addition, this alteration is predicted to be tolerated by in silico analysis. Based on the available evidence, the clinical significance of this variant remains unclear.